The following is an entry in ClinVar:

ClinVar aggregate classification (germline): Uncertain significance. Review status: criteria provided, single submitter (1 of 4 stars). 2 submissions from 2 submitters: Uncertain significance (1). 1 of the submissions does not count toward it. Last evaluated 2024-04-23.

Conditions:
Charcot-Marie-Tooth disease type 4. Also called: Charcot-Marie-Tooth, Type 4; Charcot-Marie-Tooth disease, type IV. Identifiers: Orphanet 64749, MedGen C4082197, MONDO:0018995.
Charcot-Marie-Tooth disease type 4D. Also called: CHARCOT-MARIE-TOOTH DISEASE, DEMYELINATING, AUTOSOMAL RECESSIVE, TYPE 4D; NEUROPATHY, HEREDITARY MOTOR AND SENSORY, LOM TYPE; Charcot-Marie-Tooth Neuropathy Type 4D; CHARCOT-MARIE-TOOTH DISEASE, DEMYELINATING, TYPE 4D. Identifiers: Orphanet 99950, MedGen C1832334, MONDO:0011085, OMIM 601455.

Allele frequency attached by ClinVar (database versions not stated): gnomAD 0.00001; gnomAD exomes 0.00001 and 0.00002; TOPMed 0.00001.
gnomAD v4.1: 12 of 1,614,042 alleles (0.00074%); highest among the groups gnomAD compares: Admixed American, 0.0067%; no homozygotes.

Submissions (2):

Labcorp Genetics (formerly Invitae), Labcorp
Classification: Uncertain significance for Charcot-Marie-Tooth disease type 4. Last evaluated: 2024-04-23. Review status: criteria provided, single submitter. Criteria: Invitae Variant Classification Sherloc (09022015). Collection method: clinical testing. Allele origin: germline.
Comment: This sequence change replaces isoleucine, which is neutral and non-polar, with valine, which is neutral and non-polar, at codon 215 of the NDRG1 protein (p.Ile215Val). This variant is present in population databases (no rsID available, gnomAD 0.01%). This variant has not been reported in the literature in individuals affected with NDRG1-related conditions. ClinVar contains an entry for this variant (Variation ID: 858802). Advanced modeling of protein sequence and biophysical properties (such as structural, functional, and spatial information, amino acid conservation, physicochemical variation, residue mobility, and thermodynamic stability) performed at Invitae indicates that this missense variant is not expected to disrupt NDRG1 protein function with a negative predictive value of 80%. In summary, the available evidence is currently insufficient to determine the role of this variant in disease. Therefore, it has been classified as a Variant of Uncertain Significance.

Natera, Inc.
Classification: Uncertain significance for Charcot-Marie-Tooth disease type 4D. Last evaluated: 2020-02-24. Review status: no assertion criteria provided. Collection method: clinical testing. Allele origin: germline. Not counted in ClinVar's aggregate classification.

NM_006096.4(NDRG1):c.643A>G (p.Ile215Val)

Gene: NDRG1 (N-myc downstream regulated 1; minus strand). Cytogenetic location: 8q24.22.
Variant type: single nucleotide variant.
Coding change: c.643A>G on transcript NM_006096.4 (MANE Select); coding-DNA position 643, A replaced by G.
Protein change: p.Ile215Val; replaces isoleucine 215 with valine.
Molecular consequence: missense variant.
Genome position (GRCh38, 1-based): chr8:133,250,495, T>C on the plus strand (A>G on the coding strand, the complement: NDRG1 is on the minus strand). VCF-style: chr8-133250495-T-C. GRCh37 (hg19) VCF-style: chr8-134262738-T-C.
Other names: c.643A>G, p.Ile215Val (NM_001135242.2, NM_001374845.1, NM_001374846.1); c.445A>G, p.Ile149Val (NM_001258432.2, NM_001374847.1); c.400A>G, p.Ile134Val (NM_001258433.2); c.694A>G, p.Ile232Val (NM_001374844.1); short protein forms I134V, I149V, I215V, I232V.
Identifiers: ClinVar variation 858802 (VCV000858802.8), dbSNP rs1390282778, ClinGen allele CA372255393.